The following is an entry in ClinVar:

ClinVar aggregate classification (germline): Uncertain significance (1 of 4 stars; one submission).

Submission:

Labcorp Genetics (formerly Invitae), Labcorp
Classification: Uncertain significance. Last evaluated: 2024-03-11. Review status: criteria provided, single submitter. Criteria: Invitae Variant Classification Sherloc (09022015). Collection method: clinical testing. Allele origin: germline.
Comment: This sequence change replaces valine, which is neutral and non-polar, with isoleucine, which is neutral and non-polar, at codon 335 of the POLR1A protein (p.Val335Ile). This variant is not present in population databases (gnomAD no frequency). This variant has not been reported in the literature in individuals affected with POLR1A-related conditions. ClinVar contains an entry for this variant (Variation ID: 1360893). Advanced modeling of protein sequence and biophysical properties (such as structural, functional, and spatial information, amino acid conservation, physicochemical variation, residue mobility, and thermodynamic stability) performed at Invitae indicates that this missense variant is not expected to disrupt POLR1A protein function with a negative predictive value of 80%. In summary, the available evidence is currently insufficient to determine the role of this variant in disease. Therefore, it has been classified as a Variant of Uncertain Significance.

NM_015425.6(POLR1A):c.1003G>A (p.Val335Ile)

Gene: POLR1A (RNA polymerase I subunit A; minus strand). Cytogenetic location: 2p11.2.
Variant type: single nucleotide variant.
Coding change: c.1003G>A on transcript NM_015425.6 (MANE Select); coding-DNA position 1003, G replaced by A.
Protein change: p.Val335Ile; replaces valine 335 with isoleucine.
Molecular consequence: missense variant.
Genome position (GRCh38, 1-based): chr2:86,080,899, C>T on the plus strand (G>A on the coding strand, the complement: POLR1A is on the minus strand). VCF-style: chr2-86080899-C-T. GRCh37 (hg19) VCF-style: chr2-86308022-C-T.
Other names: short protein forms V335I.
Identifiers: ClinVar variation 1360893 (VCV001360893.8), dbSNP rs2104421870, ClinGen allele CA347553516.